The following is an entry in ClinVar:

ClinVar aggregate classification (germline): Uncertain significance (1 of 4 stars; one submission).

Conditions:
Inborn genetic diseases. Identifiers: MedGen C0950123, MeSH D030342.

Submission:

Ambry Genetics
Classification: Uncertain significance for Inborn genetic diseases. Last evaluated: 2022-08-13. Review status: criteria provided, single submitter. Criteria: Ambry Variant Classification Scheme 2023. Collection method: clinical testing. Allele origin: germline.
Comment: The p.H580N variant (also known as c.1738C>A), located in coding exon 12 of the EPAS1 gene, results from a C to A substitution at nucleotide position 1738. The histidine at codon 580 is replaced by asparagine, an amino acid with similar properties. This amino acid position is conserved. In addition, this alteration is predicted to be tolerated by in silico analysis. Since supporting evidence is limited at this time, the clinical significance of this alteration remains unclear.

NM_001430.5(EPAS1):c.1738C>A (p.His580Asn)

Gene: EPAS1 (endothelial PAS domain protein 1; plus strand). Cytogenetic location: 2p21.
Variant type: single nucleotide variant.
Coding change: c.1738C>A on transcript NM_001430.5 (MANE Select); coding-DNA position 1738, C replaced by A.
Protein change: p.His580Asn; replaces histidine 580 with asparagine.
Molecular consequence: missense variant.
Genome position (GRCh38, 1-based): chr2:46,380,410, C>A. VCF-style: chr2-46380410-C-A. GRCh37 (hg19) VCF-style: chr2-46607549-C-A.
Other names: short protein forms H580N.
Identifiers: ClinVar variation 1779123 (VCV001779123.2), dbSNP rs2103672700, ClinGen allele CA346704773.